The following is an entry in ClinVar:

NM_000474.4(TWIST1):c.312G>A (p.Glu104=)

Gene: TWIST1 (twist family bHLH transcription factor 1; minus strand). Cytogenetic location: 7p21.1.
Variant type: single nucleotide variant.
Coding change: c.312G>A on transcript NM_000474.4 (MANE Select); coding-DNA position 312, G replaced by A.
Protein change: p.Glu104=; no amino-acid change (glutamic acid 104 retained).
Molecular consequence: synonymous variant. On other transcripts: non-coding transcript variant (1).
Genome position (GRCh38, 1-based): chr7:19,117,010, C>T on the plus strand (G>A on the coding strand, the complement: TWIST1 is on the minus strand). VCF-style: chr7-19117010-C-T. GRCh37 (hg19) VCF-style: chr7-19156633-C-T.
Identifiers: ClinVar variation 3770833 (VCV003770833.13).

ClinVar aggregate classification (germline): Likely benign (1 of 4 stars; one submission).

Submission:

CeGaT Center for Human Genetics Tuebingen
Classification: Likely benign. Last evaluated: 2024-12-01. Review status: criteria provided, single submitter. Criteria: CeGaT Center For Human Genetics Tuebingen Variant Classification Criteria Version 2. Collection method: clinical testing. Allele origin: germline. Affected: yes. Observed: 1 variant allele.
Comment: TWIST1: BP4, BP7